The following is an entry in ClinVar:

ClinVar aggregate classification (germline): Conflicting classifications of pathogenicity. Review status: criteria provided, conflicting classifications (1 of 4 stars). 2 submissions from 2 submitters: Uncertain significance (1); Likely benign (1). Last evaluated 2026-03-01.

Conditions:
RORA-related disorder. Also called: RORA-related condition.

gnomAD v4.1: 75 of 1,613,986 alleles (0.0046%); highest among the groups gnomAD compares: Admixed American, 0.0033%; no homozygotes.

Submissions (2):

CeGaT Center for Human Genetics Tuebingen
Classification: Uncertain significance. Last evaluated: 2026-03-01. Review status: criteria provided, single submitter. Criteria: CeGaT Center For Human Genetics Tuebingen Variant Classification Criteria Version 2. Collection method: clinical testing. Allele origin: germline. Affected: yes. Observed: 1 variant allele.

PreventionGenetics, part of Exact Sciences
Classification: Likely benign for RORA-related condition. Last evaluated: 2025-05-09. Review status: criteria provided, single submitter. Criteria: ACMG Guidelines, 2015. Collection method: clinical testing. Allele origin: germline.
Comment: This variant is classified as likely benign based on ACMG/AMP sequence variant interpretation guidelines (Richards et al. 2015 PMID: 25741868, with internal and published modifications).

NM_134261.3(RORA):c.595G>A (p.Asp199Asn)

Genes: RORA (RAR related orphan receptor A; minus strand), RORA-AS1 (RORA antisense RNA 1; plus strand). Cytogenetic location: 15q22.2.
Variant type: single nucleotide variant.
Coding change: c.595G>A on transcript NM_134261.3 (MANE Select); coding-DNA position 595, G replaced by A.
Protein change: p.Asp199Asn; replaces aspartic acid 199 with asparagine.
Molecular consequence: missense variant.
Genome position (GRCh38, 1-based): chr15:60,511,451, C>T on the plus strand (G>A on the coding strand, the complement: RORA is on the minus strand). VCF-style: chr15-60511451-C-T. GRCh37 (hg19) VCF-style: chr15-60803650-C-T.
Other names: c.694G>A (NM_134260.2); c.670G>A, p.Asp224Asn (NM_002943.4); c.694G>A, p.Asp232Asn (NM_134260.3); c.430G>A, p.Asp144Asn (NM_134262.3); short protein forms D144N, D199N, D224N, D232N.
Identifiers: ClinVar variation 4872424 (VCV004872424.3).